The following is an entry in ClinVar:

NM_001130823.3(DNMT1):c.446-2A>G

Gene: DNMT1 (DNA methyltransferase 1; minus strand). Cytogenetic location: 19p13.2.
Variant type: single nucleotide variant.
Coding change: c.446-2A>G on transcript NM_001130823.3 (MANE Select); the canonical splice acceptor site of the intron before coding-DNA position 446, A replaced by G.
Molecular consequence: splice acceptor variant. On other transcripts: intron variant (2).
Genome position (GRCh38, 1-based): chr19:10,180,236, T>C on the plus strand (A>G on the coding strand, the complement: DNMT1 is on the minus strand). VCF-style: chr19-10180236-T-C. GRCh37 (hg19) VCF-style: chr19-10290912-T-C.
Other names: c.83-2A>G (NM_001318731.2); c.445+114A>G (NM_001379.4, NM_001318730.2).
Identifiers: ClinVar variation 1377055 (VCV001377055.6), dbSNP rs1218182925, ClinGen allele CA403946002.

ClinVar aggregate classification (germline): Uncertain significance (1 of 4 stars; one submission).

Conditions:
Hereditary sensory neuropathy-deafness-dementia syndrome. Also called: Hereditary sensory neuropathy type IE; HSN IE; NEUROPATHY, HEREDITARY SENSORY, WITH HEARING LOSS AND DEMENTIA; Hereditary Sensory and Autonomic Neuropathy Type 1E (HSAN1E). Identifiers: Orphanet 456318, MedGen C3279885, MONDO:0013584, OMIM 614116.

Allele frequency attached by ClinVar (database versions not stated): gnomAD 0.00001.
gnomAD v4.1: 1 of 1,304,540 alleles (0.000077%); highest among the groups gnomAD compares: Non-Finnish European, 0.00011%; no homozygotes.

Submission:

Labcorp Genetics (formerly Invitae), Labcorp
Classification: Uncertain significance for Hereditary sensory neuropathy-deafness-dementia syndrome. Last evaluated: 2024-02-24. Review status: criteria provided, single submitter. Criteria: Invitae Variant Classification Sherloc (09022015). Collection method: clinical testing. Allele origin: germline.
Comment: This sequence change affects an acceptor splice site in intron 4 of the DNMT1 gene. It is expected to disrupt RNA splicing. Variants that disrupt the donor or acceptor splice site typically lead to a loss of protein function (PMID: 16199547), however the current clinical and genetic evidence is not sufficient to establish whether loss-of-function variants in DNMT1 cause disease. The frequency data for this variant in the population databases is considered unreliable, as metrics indicate poor data quality at this position in the gnomAD database. This variant has not been reported in the literature in individuals affected with DNMT1-related conditions. ClinVar contains an entry for this variant (Variation ID: 1377055). Algorithms developed to predict the effect of sequence changes on RNA splicing suggest that this variant may disrupt the consensus splice site. In summary, the available evidence is currently insufficient to determine the role of this variant in disease. Therefore, it has been classified as a Variant of Uncertain Significance.

Literature cited by the submitters: PubMed 16199547.